The following is an entry in ClinVar:

ClinVar aggregate classification (germline): Uncertain significance (1 of 4 stars; one submission).

Conditions:
Cardiovascular phenotype. Identifiers: MedGen CN230736.

gnomAD v4.1: 1 of 1,614,084 alleles (0.000062%); highest among the groups gnomAD compares: Non-Finnish European, 0.000085%; no homozygotes.

Submission:

Ambry Genetics
Classification: Uncertain significance for Cardiovascular phenotype. Last evaluated: 2025-07-30. Review status: criteria provided, single submitter. Criteria: Ambry Variant Classification Scheme 2023. Collection method: clinical testing. Allele origin: germline.
Comment: The p.T2817A variant (also known as c.8449A>G), located in coding exon 38 of the ANK2 gene, results from an A to G substitution at nucleotide position 8449. The threonine at codon 2817 is replaced by alanine, an amino acid with similar properties. This amino acid position is conserved. In addition, this alteration is predicted to be tolerated by in silico analysis. Based on the available evidence, the clinical significance of this variant remains unclear.

NM_001148.6(ANK2):c.8449A>G (p.Thr2817Ala)

Gene: ANK2 (ankyrin 2; plus strand). Cytogenetic location: 4q26.
Variant type: single nucleotide variant.
Coding change: c.8449A>G on transcript NM_001148.6 (MANE Select); coding-DNA position 8449, A replaced by G.
Protein change: p.Thr2817Ala; replaces threonine 2817 with alanine.
Molecular consequence: missense variant. On other transcripts: intron variant (68).
Genome position (GRCh38, 1-based): chr4:113,357,067, A>G. VCF-style: chr4-113357067-A-G. GRCh37 (hg19) VCF-style: chr4-114278223-A-G.
Other names: c.8215A>G, p.Thr2739Ala (NM_001386142.1); c.4849A>G, p.Thr1617Ala (NM_001386166.1); c.8590A>G, p.Thr2864Ala (NM_001386174.1); c.8566A>G, p.Thr2856Ala (NM_001386175.1); c.4412-3756A>G (NM_001386186.2, NM_001386148.2); c.4214-3756A>G (NM_001354269.3); c.4292-3756A>G (NM_001386187.2); c.4253-3756A>G (NM_001386147.1); and 35 more; short protein forms T2817A, T2864A, T2739A, T2856A, T1617A.
Identifiers: ClinVar variation 4096643 (VCV004096643.1).